The following is an entry in ClinVar:

ClinVar aggregate classification (germline): Likely benign. Review status: criteria provided, single submitter (1 of 4 stars). 2 submissions from 2 submitters: Likely benign (1). 1 of the submissions does not count toward it. Last evaluated 2026-01-20.

Conditions:
SMARCB1-related disorder. Also called: SMARCB1-related condition; SMARCB1-related disorders.

Allele frequency attached by ClinVar (database versions not stated): gnomAD exomes 0.00002; ExAC 0.00010; gnomAD 0.00010 and 0.00011; TOPMed 0.00013.
gnomAD v4.1: 38 of 1,579,868 alleles (0.0024%); highest among the groups gnomAD compares: African/African-American, 0.05%; no homozygotes.

Submissions (2):

Labcorp Genetics (formerly Invitae), Labcorp
Classification: Likely benign. Last evaluated: 2026-01-20. Review status: criteria provided, single submitter. Criteria: Invitae Variant Classification Sherloc (09022015). Collection method: clinical testing. Allele origin: germline.

PreventionGenetics, part of Exact Sciences
Classification: Likely benign for SMARCB1-related condition. Last evaluated: 2019-05-20. Review status: no assertion criteria provided. Collection method: clinical testing. Allele origin: germline. Not counted in ClinVar's aggregate classification.
Comment: This variant is classified as likely benign based on ACMG/AMP sequence variant interpretation guidelines (Richards et al. 2015 PMID: 25741868, with internal and published modifications).

NM_003073.5(SMARCB1):c.1119-18T>C

Gene: SMARCB1 (SWI/SNF related BAF chromatin remodeling complex subunit B1; plus strand). Cytogenetic location: 22q11.23.
Variant type: single nucleotide variant.
Coding change: c.1119-18T>C on transcript NM_003073.5 (MANE Select); 18 bases into the intron before coding-DNA position 1119, T replaced by C.
Molecular consequence: intron variant.
Genome position (GRCh38, 1-based): chr22:23,834,123, T>C. VCF-style: chr22-23834123-T-C. GRCh37 (hg19) VCF-style: chr22-24176310-T-C.
Other names: c.1173-18T>C (NM_001362877.2); c.1146-18T>C (NM_001317946.2); c.1092-18T>C (NM_001007468.3); c.1119-18T>C (NM_003073.4).
Identifiers: ClinVar variation 1586210 (VCV001586210.10), dbSNP rs774984894, ClinGen allele CA10146123.